The following is an entry in ClinVar:

NM_000059.4(BRCA2):c.6415G>T (p.Glu2139Ter)

Gene: BRCA2 (BRCA2 DNA repair associated; plus strand). Cytogenetic location: 13q13.1.
Variant type: single nucleotide variant.
Coding change: c.6415G>T on transcript NM_000059.4 (MANE Select); coding-DNA position 6415, G replaced by T.
Protein change: p.Glu2139Ter; replaces glutamic acid 2139 with a stop codon.
Molecular consequence: nonsense.
Genome position (GRCh38, 1-based): chr13:32,340,770, G>T. VCF-style: chr13-32340770-G-T. GRCh37 (hg19) VCF-style: chr13-32914907-G-T.
Other names: short protein forms E2139*.
Identifiers: ClinVar variation 531250 (VCV000531250.11), dbSNP rs763639231, ClinGen allele CA387789266.

ClinVar aggregate classification (germline): Pathogenic/Likely pathogenic. Review status: criteria provided, multiple submitters, no conflicts (2 of 4 stars). 3 submissions from 3 submitters: Pathogenic (2); Likely pathogenic (1). Last evaluated 2025-04-14.

Conditions:
Hereditary cancer-predisposing syndrome. Also called: Tumor predisposition; Hereditary neoplastic syndrome; Neoplastic Syndromes, Hereditary; Hereditary Cancer Syndrome. Identifiers: Orphanet 140162, MedGen C0027672, MeSH D009386, MONDO:0015356.
Hereditary breast ovarian cancer syndrome. Also called: Hereditary breast and ovarian cancer syndrome; Hereditary breast and/or ovarian cancer syndrome; Hereditary breast and ovarian cancer; Hereditary breast and ovarian cancer syndrome (HBOC); Breast and ovarian cancer; BRCA1- and BRCA2-Associated Hereditary Breast and Ovarian Cancer. Identifiers: Orphanet 145, MedGen C0677776, MeSH D061325, MONDO:0003582. Disease mechanism: loss of function.
Fanconi anemia complementation group D1. Also called: BRCA2-Related Fanconi Anemia. Identifiers: Orphanet 319462, MedGen C1838457, MONDO:0011584, OMIM 605724.
Familial cancer of breast. Also called: Hereditary breast cancer; hereditary breast carcinoma; BREAST CANCER, FAMILIAL. Identifiers: Orphanet 227535, MedGen C0346153, MONDO:0016419, OMIM 114480. Disease mechanism: loss of function.
Breast-ovarian cancer, familial, susceptibility to, 2 (BROVCA2). Also called: BRCA2 Hereditary Breast and Ovarian Cancer. Identifiers: Orphanet 145, MedGen C2675520, MONDO:0012933, OMIM 612555. Disease mechanism: loss of function.
Wilms tumor 1 (WT1). Also called: Wilms tumor, somatic. Identifiers: Orphanet 654, MedGen CN033288, MONDO:0008679, OMIM 194070.
Pancreatic cancer, susceptibility to, 2. Identifiers: Orphanet 1333, MedGen C3150546, MONDO:0013235, OMIM 613347.
Glioma susceptibility 3 (GLM3). Also called: Glioblastoma 3. Identifiers: Orphanet 182067, Orphanet 360, MedGen C2751641, MONDO:0013093, OMIM 613029.
Medulloblastoma (MDB). Also called: MEDULLOBLASTOMA PREDISPOSITION SYNDROME; Medulloblastoma, somatic. Identifiers: Orphanet 616, MedGen C0025149, MeSH D008527, MONDO:0007959, OMIM 155255, HP:0002885.
Familial prostate cancer. Also called: Hereditary Prostate Cancer. Identifiers: MedGen C2931456, MONDO:0700275, OMIM 176807.

Submissions (3):

Color Diagnostics, LLC DBA Color Health
Classification: Pathogenic for Hereditary cancer-predisposing syndrome. Last evaluated: 2025-04-14. Review status: criteria provided, single submitter. Criteria: ACMG Guidelines, 2015. Collection method: clinical testing. Allele origin: germline.
Comment: This variant changes 1 nucleotide in exon 11 of the BRCA2 gene, creating a premature translation stop signal. This variant is expected to result in an absent or non-functional protein product. This variant has not been identified in the general population by the Genome Aggregation Database (gnomAD). Loss of BRCA2 function is a known mechanism of disease. Based on the available evidence, this variant is classified as Pathogenic.

Labcorp Genetics (formerly Invitae), Labcorp
Classification: Pathogenic for Hereditary breast ovarian cancer syndrome. Last evaluated: 2024-06-06. Review status: criteria provided, single submitter. Criteria: Invitae Variant Classification Sherloc (09022015). Collection method: clinical testing. Allele origin: germline.
Comment: This sequence change creates a premature translational stop signal (p.Glu2139*) in the BRCA2 gene. It is expected to result in an absent or disrupted protein product. Loss-of-function variants in BRCA2 are known to be pathogenic (PMID: 20104584). This variant is not present in population databases (gnomAD no frequency). This variant has not been reported in the literature in individuals affected with BRCA2-related conditions. ClinVar contains an entry for this variant (Variation ID: 531250). For these reasons, this variant has been classified as Pathogenic.

Fulgent Genetics
Classification: Likely pathogenic for Familial cancer of breast; Medulloblastoma; Familial prostate cancer; Wilms tumor 1; Fanconi anemia complementation group D1; Breast-ovarian cancer, familial, susceptibility to, 2; Glioma susceptibility 3; Pancreatic cancer, susceptibility to, 2. Last evaluated: 2024-03-08. Review status: criteria provided, single submitter. Criteria: ACMG Guidelines, 2015. Collection method: clinical testing. Allele origin: germline.

Literature cited by the submitters: PubMed 28294317 (cited by Color Diagnostics, LLC DBA Color Health); PubMed 20104584 (cited by Labcorp Genetics (formerly Invitae), Labcorp).